The following is an entry in ClinVar:

ClinVar aggregate classification (germline): Conflicting classifications of pathogenicity. Review status: criteria provided, conflicting classifications (1 of 4 stars). 3 submissions from 3 submitters: Uncertain significance (2); Likely benign (1). Last evaluated 2025-02-27.

Conditions:
Acute myeloid leukemia (AML). Also called: Acute myeloid leukemia, adult; AML adult; Acute non-lymphocytic leukemia; Acute granulocytic leukemia; Leukemia, acute myelogenous, somatic; Leukemia, acute myeloid, somatic. Identifiers: Orphanet 519, MedGen C0023467, MeSH D015470, MONDO:0018874, OMIM 601626, HP:0004808. Disease mechanism: Constitutively activated FLT3.
Inborn genetic diseases. Identifiers: MedGen C0950123, MeSH D030342.

Allele frequency attached by ClinVar (database versions not stated): gnomAD 0.00001; TOPMed 0.00001.
gnomAD v4.1: 3 of 1,297,488 alleles (0.00023%); highest among the groups gnomAD compares: Non-Finnish European, 0.0003%; no homozygotes.

Submissions (3):

Ambry Genetics
Classification: Likely benign for Inborn genetic diseases. Last evaluated: 2025-02-27. Review status: criteria provided, single submitter. Criteria: Ambry Variant Classification Scheme 2023. Collection method: clinical testing. Allele origin: germline.

Labcorp Genetics (formerly Invitae), Labcorp
Classification: Uncertain significance for Acute myeloid leukemia. Last evaluated: 2024-10-23. Review status: criteria provided, single submitter. Criteria: Invitae Variant Classification Sherloc (09022015). Collection method: clinical testing. Allele origin: germline.
Comment: This sequence change replaces glycine, which is neutral and non-polar, with arginine, which is basic and polar, at codon 177 of the CEBPA protein (p.Gly177Arg). This variant is present in population databases (no rsID available, gnomAD 0.005%). This variant has not been reported in the literature in individuals affected with CEBPA-related conditions. ClinVar contains an entry for this variant (Variation ID: 956737). Invitae Evidence Modeling of protein sequence and biophysical properties (such as structural, functional, and spatial information, amino acid conservation, physicochemical variation, residue mobility, and thermodynamic stability) indicates that this missense variant is not expected to disrupt CEBPA protein function with a negative predictive value of 80%. In summary, the available evidence is currently insufficient to determine the role of this variant in disease. Therefore, it has been classified as a Variant of Uncertain Significance.

GeneDx
Classification: Uncertain significance. Last evaluated: 2023-03-02. Review status: criteria provided, single submitter. Criteria: GeneDx Variant Classification Process June 2021. Collection method: clinical testing. Allele origin: germline.
Comment: Not observed at significant frequency in large population cohorts (gnomAD); In silico analysis supports that this missense variant does not alter protein structure/function; Has not been previously published as pathogenic or benign to our knowledge; This variant is associated with the following publications: (PMID: 21455213)

NM_004364.5(CEBPA):c.529G>C (p.Gly177Arg)

Gene: CEBPA (CCAAT enhancer binding protein alpha; minus strand). Cytogenetic location: 19q13.11.
Variant type: single nucleotide variant.
Coding change: c.529G>C on transcript NM_004364.5 (MANE Select); coding-DNA position 529, G replaced by C.
Protein change: p.Gly177Arg; replaces glycine 177 with arginine.
Molecular consequence: missense variant.
Genome position (GRCh38, 1-based): chr19:33,301,886, C>G on the plus strand (G>C on the coding strand, the complement: CEBPA is on the minus strand). VCF-style: chr19-33301886-C-G. GRCh37 (hg19) VCF-style: chr19-33792792-C-G.
Other names: c.172G>C, p.Gly58Arg (NM_001285829.2); c.634G>C, p.Gly212Arg (NM_001287424.2); c.487G>C, p.Gly163Arg (NM_001287435.2); short protein forms G58R, G177R, G212R, G163R.
Identifiers: ClinVar variation 956737 (VCV000956737.14), dbSNP rs1223584541, ClinGen allele CA405274757.